The following is an entry in ClinVar:

ClinVar aggregate classification (germline): Uncertain significance. Review status: criteria provided, multiple submitters, no conflicts (2 of 4 stars). 2 submissions from 2 submitters: Uncertain significance (2). Last evaluated 2024-12-16.

Conditions:
Hereditary cancer-predisposing syndrome. Also called: Neoplastic Syndromes, Hereditary; Tumor predisposition; Hereditary Cancer Syndrome; Hereditary neoplastic syndrome. Identifiers: Orphanet 140162, MedGen C0027672, MeSH D009386, MONDO:0015356.
Rhabdoid tumor predisposition syndrome 2 (RTPS2). Identifiers: Orphanet 231108, Orphanet 69077, MedGen C2750074, MONDO:0013224, OMIM 613325.

Submissions (2):

Labcorp Genetics (formerly Invitae), Labcorp
Classification: Uncertain significance for Rhabdoid tumor predisposition syndrome 2. Last evaluated: 2024-12-16. Review status: criteria provided, single submitter. Criteria: Invitae Variant Classification Sherloc (09022015). Collection method: clinical testing. Allele origin: germline.
Comment: This sequence change replaces glutamic acid, which is acidic and polar, with lysine, which is basic and polar, at codon 685 of the SMARCA4 protein (p.Glu685Lys). This variant is not present in population databases (gnomAD no frequency). This variant has not been reported in the literature in individuals affected with SMARCA4-related conditions. ClinVar contains an entry for this variant (Variation ID: 820607). Invitae Evidence Modeling of protein sequence and biophysical properties (such as structural, functional, and spatial information, amino acid conservation, physicochemical variation, residue mobility, and thermodynamic stability) indicates that this missense variant is not expected to disrupt SMARCA4 protein function with a negative predictive value of 95%. In summary, the available evidence is currently insufficient to determine the role of this variant in disease. Therefore, it has been classified as a Variant of Uncertain Significance.

Ambry Genetics
Classification: Uncertain significance for Hereditary cancer-predisposing syndrome. Last evaluated: 2017-12-19. Review status: criteria provided, single submitter. Criteria: Ambry Variant Classification Scheme 2023. Collection method: clinical testing. Allele origin: germline.
Comment: The p.E685K variant (also known as c.2053G>A), located in coding exon 13 of the SMARCA4 gene, results from a G to A substitution at nucleotide position 2053. The glutamic acid at codon 685 is replaced by lysine, an amino acid with similar properties. This amino acid position is highly conserved through mammals but not in all available vertebrate species. In addition, the in silico prediction for this alteration is inconclusive. Since supporting evidence is limited at this time, the clinical significance of this alteration remains unclear.

NM_003072.5(SMARCA4):c.2053G>A (p.Glu685Lys)

Gene: SMARCA4 (SWI/SNF related BAF chromatin remodeling complex subunit ATPase 4; plus strand). Cytogenetic location: 19p13.2.
Variant type: single nucleotide variant.
Coding change: c.2053G>A on transcript NM_003072.5 (MANE Select); coding-DNA position 2053, G replaced by A.
Protein change: p.Glu685Lys; replaces glutamic acid 685 with lysine.
Molecular consequence: missense variant. On other transcripts: non-coding transcript variant (1).
Genome position (GRCh38, 1-based): chr19:11,007,953, G>A. VCF-style: chr19-11007953-G-A. GRCh37 (hg19) VCF-style: chr19-11118629-G-A.
Other names: c.2053G>A, p.Glu685Lys (NM_001128844.3, NM_001128845.2, NM_001128846.2 and 4 more transcripts); short protein forms E685K.
Identifiers: ClinVar variation 820607 (VCV000820607.6), dbSNP rs1600167970, ClinGen allele CA404052467.
Genomic context (GRCh38, chr19:11,007,953, plus strand): 5'-TCTTGGTAGGAGGAGGAGGAAGAGCAGCCGCAGGCAGCACAGCCTCCCACCCTGCCCGTG[G>A]AGGAGAAGAAGAAGATTCCAGATCCAGACAGCGATGACGTCTCTGAGGTGGACGCGCGGC-3'
Protein context (NP_003063.2, residues 675-695): QAAQPPTLPV[Glu685Lys]EKKKIPDPDS